The following is an entry in ClinVar:

NM_002769.5(PRSS1):c.91GAG[1] (p.Glu32del)

Genes: PRSS1 (serine protease 1; plus strand), TRB (T cell receptor beta locus; plus strand). Cytogenetic location: 7q34.
Variant type: Microsatellite.
Coding change: c.91GAG[1] on transcript NM_002769.5 (MANE Select); one copy of the 3-base unit GAG starting at c.91; the reference has two copies in a row; one copy, 3 bases deleted; also written c.94_96del.
Protein change: p.Glu32del; deletes glutamic acid 32.
Molecular consequence: inframe deletion.
Genome position (GRCh38, 1-based): chr7:142,750,608-142,750,610, GAG deleted; deleting any 3 consecutive bases within chr7:142,750,605-142,750,610 gives the same sequence; the position shown is the placement nearest the transcript's 3' end. VCF-style (leftmost placement, unchanged base first): chr7-142750604-TGAG-T. GRCh37 (hg19) VCF-style: chr7-142458455-TGAG-T.
Other names: c.94_96del (NM_002769.4); short protein forms E32del.
Identifiers: ClinVar variation 823221 (VCV000823221.15), dbSNP rs1317719683, ClinGen allele CA578625847.

ClinVar aggregate classification (germline): Uncertain significance. Review status: criteria provided, multiple submitters, no conflicts (2 of 4 stars). 2 submissions from 2 submitters: Uncertain significance (2). Last evaluated 2025-01-06.

Conditions:
Hereditary pancreatitis (PCTT). Also called: Hereditary chronic pancreatitis; PRSS1-Related Hereditary Pancreatitis. Identifiers: Orphanet 676, MedGen C0238339, MONDO:0008185, OMIM 167800.

Submissions (2):

Ambry Genetics
Classification: Uncertain significance for Hereditary pancreatitis. Last evaluated: 2025-01-06. Review status: criteria provided, single submitter. Criteria: Ambry Variant Classification Scheme 2023. Collection method: clinical testing. Allele origin: germline.
Comment: The c.94_96delGAG variant (also known as p.E32del) is located in coding exon 2 of the PRSS1 gene. This variant results from an in-frame GAG deletion at nucleotide positions 94 to 96. This results in the in-frame deletion of a glutamic acid at codon 32. This amino acid position is poorly conserved in available vertebrate species. In addition, this alteration is predicted to be deleterious by in silico analysis (Choi Y et al. PLoS ONE. 2012; 7(10):e46688). Based on the available evidence, the clinical significance of this variant remains unclear.

Labcorp Genetics (formerly Invitae), Labcorp
Classification: Uncertain significance for Hereditary pancreatitis. Last evaluated: 2024-02-22. Review status: criteria provided, single submitter. Criteria: Invitae Variant Classification Sherloc (09022015). Collection method: clinical testing. Allele origin: germline.
Comment: This variant, c.94_96del, results in the deletion of 1 amino acid(s) of the PRSS1 protein (p.Glu32del), but otherwise preserves the integrity of the reading frame. The frequency data for this variant in the population databases is considered unreliable, as metrics indicate poor data quality at this position in the gnomAD database. This variant has not been reported in the literature in individuals affected with PRSS1-related conditions. ClinVar contains an entry for this variant (Variation ID: 823221). Experimental studies and prediction algorithms are not available or were not evaluated, and the functional significance of this variant is currently unknown. In summary, the available evidence is currently insufficient to determine the role of this variant in disease. Therefore, it has been classified as a Variant of Uncertain Significance.